The following is an entry in ClinVar:

ClinVar aggregate classification (germline): Likely pathogenic (1 of 4 stars; one submission).

Submission:

CeGaT Center for Human Genetics Tuebingen
Classification: Likely pathogenic. Last evaluated: 2023-06-01. Review status: criteria provided, single submitter. Criteria: CeGaT Center For Human Genetics Tuebingen Variant Classification Criteria Version 2. Collection method: clinical testing. Allele origin: germline. Affected: yes. Observed: 1 variant allele.
Comment: GABRB2: PM2, PS2:Moderate, PP2, PP3

NM_001371727.1(GABRB2):c.746C>G (p.Thr249Arg)

Gene: GABRB2 (gamma-aminobutyric acid type A receptor subunit beta2; minus strand). Cytogenetic location: 5q34.
Variant type: single nucleotide variant.
Coding change: c.746C>G on transcript NM_001371727.1 (MANE Select); coding-DNA position 746, C replaced by G.
Protein change: p.Thr249Arg; replaces threonine 249 with arginine.
Molecular consequence: missense variant.
Genome position (GRCh38, 1-based): chr5:161,334,838, G>C on the plus strand (C>G on the coding strand, the complement: GABRB2 is on the minus strand). VCF-style: chr5-161334838-G-C. GRCh37 (hg19) VCF-style: chr5-160761845-G-C.
Other names: c.746C>G, p.Thr249Arg (NM_000813.3, NM_021911.3); short protein forms T249R.
Identifiers: ClinVar variation 2571237 (VCV002571237.27), dbSNP rs2546558242, ClinGen allele CA362171658.